The following is an entry in ClinVar:

NM_001243279.3(ACSF3):c.1219G>T (p.Gly407Ter)

Gene: ACSF3 (acyl-CoA synthetase family member 3; plus strand). Cytogenetic location: 16q24.3.
Variant type: single nucleotide variant.
Coding change: c.1219G>T on transcript NM_001243279.3 (MANE Select); coding-DNA position 1219, G replaced by T.
Protein change: p.Gly407Ter; replaces glycine 407 with a stop codon.
Molecular consequence: nonsense. On other transcripts: non-coding transcript variant (3).
Genome position (GRCh38, 1-based): chr16:89,120,893, G>T. VCF-style: chr16-89120893-G-T. GRCh37 (hg19) VCF-style: chr16-89187301-G-T.
Other names: c.1219G>T, p.Gly407Ter (NM_001127214.4, NM_174917.5); c.424G>T, p.Gly142Ter (NM_001284316.2); short protein forms G142*, G407*.
Identifiers: ClinVar variation 2028960 (VCV002028960.4), dbSNP rs2543678395, ClinGen allele CA397142376.

ClinVar aggregate classification (germline): Pathogenic (1 of 4 stars; one submission).

Conditions:
Combined malonic and methylmalonic acidemia. Identifiers: Orphanet 289504, MedGen C3280314, MONDO:0013661, OMIM 614265.

Submission:

Labcorp Genetics (formerly Invitae), Labcorp
Classification: Pathogenic for Combined malonic and methylmalonic acidemia. Last evaluated: 2022-09-04. Review status: criteria provided, single submitter. Criteria: Invitae Variant Classification Sherloc (09022015). Collection method: clinical testing. Allele origin: germline.
Comment: For these reasons, this variant has been classified as Pathogenic. This variant has not been reported in the literature in individuals affected with ACSF3-related conditions. This variant is not present in population databases (gnomAD no frequency). This sequence change creates a premature translational stop signal (p.Gly407*) in the ACSF3 gene. It is expected to result in an absent or disrupted protein product. Loss-of-function variants in ACSF3 are known to be pathogenic (PMID: 21841779, 26827111).

Literature cited by the submitters: PubMed 21841779; PubMed 26827111.